The following is an entry in ClinVar:

NM_178857.6(RP1L1):c.2469C>T (p.Ser823=)

Gene: RP1L1 (RP1 like 1). Cytogenetic location: 8p23.1.
Variant type: single nucleotide variant.
Coding change: c.2469C>T on transcript NM_178857.6 (MANE Select); coding-DNA position 2469, C replaced by T.
Protein change: p.Ser823=; no amino-acid change (serine 823 retained).
Molecular consequence: synonymous variant.
Genome position (GRCh38, 1-based): chr8:10,611,629, G>A on the plus strand (C>T on the coding strand, the complement: RP1L1 is on the minus strand). VCF-style: chr8-10611629-G-A. GRCh37 (hg19) VCF-style: chr8-10469139-G-A.
Identifiers: ClinVar variation 361343 (VCV000361343.8), dbSNP rs368842714, ClinGen allele CA4624816.
Genomic context (GRCh38, chr8:10,611,629, plus strand): 5'-AGGGGAGGGTCCCCGCTGGGCCTCTTGGGCCGGCTGCGTCCCAGGCTGTGAGCAGCAGTG[G>A]CTTCGGTGGGGGCCCACCGCCCCTTGCTCAGGCCGTCCAACCTGCAGAACCAAGGGTGAG-3'
Protein context (NP_849188.4, residues 813-833): PEQGAVGPHR[Ser823=]HCCSQPGTQP

ClinVar aggregate classification (germline): Likely benign. Review status: criteria provided, multiple submitters, no conflicts (2 of 4 stars). 3 submissions from 3 submitters: Likely benign (2). 1 of the submissions does not count toward it. Last evaluated 2024-09-04.

Conditions:
Occult macular dystrophy (OCMD). Also called: OMD; OCCULT MACULAR DYSTROPHY, SUSCEPTIBILITY TO. Identifiers: Orphanet 247834, MedGen C3150833, MONDO:0013316, OMIM 613587, HP:0030636.
RP1L1-related disorder. Also called: RP1L1-related condition.

Allele frequency attached by ClinVar (database versions not stated): ExAC 0.00004; gnomAD 0.00004 and 0.00005; gnomAD exomes 0.00004; TOPMed 0.00006; ESP Exome Variant Server 0.00008; 1000 Genomes Project 30x 0.00016; 1000 Genomes Project 0.00020.
gnomAD v4.1: 128 of 1,612,916 alleles (0.0079%); highest among the groups gnomAD compares: Non-Finnish European, 0.0095%; 1 homozygote.

Submissions (3):

Blueprint Genetics
Classification: Likely benign. Last evaluated: 2024-09-04. Review status: criteria provided, single submitter. Criteria: ACMG Guidelines, 2015. Collection method: clinical testing. Allele origin: germline.

Illumina Laboratory Services, Illumina
Classification: Likely benign for Occult macular dystrophy. Last evaluated: 2018-01-12. Review status: criteria provided, single submitter. Criteria: ICSL Variant Classification Criteria 13 December 2019. Collection method: clinical testing. Allele origin: germline.
Comment: This variant was observed in the ICSL laboratory as part of a predisposition screen in an ostensibly healthy population. It had not been previously curated by ICSL or reported in the Human Gene Mutation Database (HGMD: prior to June 1st, 2018), and was therefore a candidate for classification through an automated scoring system. Utilizing variant allele frequency, disease prevalence and penetrance estimates, and inheritance mode, an automated score was calculated to assess if this variant is too frequent to cause the disease. Based on the score and internal cut-off values, a variant classified as likely benign is not then subjected to further curation. The score for this variant resulted in a classification of likely benign for this disease.

PreventionGenetics, part of Exact Sciences
Classification: Likely benign for RP1L1-related condition. Last evaluated: 2019-11-18. Review status: no assertion criteria provided. Collection method: clinical testing. Allele origin: germline. Not counted in ClinVar's aggregate classification.
Comment: This variant is classified as likely benign based on ACMG/AMP sequence variant interpretation guidelines (Richards et al. 2015 PMID: 25741868, with internal and published modifications).